The following is an entry in ClinVar:

ClinVar aggregate classification (germline): Likely benign (1 of 4 stars; one submission).

Conditions:
Ellis-van Creveld syndrome (EVC). Also called: EVC-Related Ellis-van Creveld Syndrome; EVC2-Related Ellis-van Creveld Syndrome; MESOECTODERMAL DYSPLASIA; Chondroectodermal dysplasia. Identifiers: Orphanet 289, MedGen C0013903, MONDO:0009162, OMIM 225500.

Allele frequency attached by ClinVar (database versions not stated): gnomAD 0.00264 and 0.00287; 1000 Genomes Project 0.00280; 1000 Genomes Project 30x 0.00312; TOPMed 0.00319.
gnomAD v4.1: 418 of 200,800 alleles (0.21%); highest among the groups gnomAD compares: African/African-American, 0.91%; 1 homozygote.

Submission:

Illumina Laboratory Services, Illumina
Classification: Likely benign for Ellis-van Creveld syndrome. Last evaluated: 2018-01-12. Review status: criteria provided, single submitter. Criteria: ICSL Variant Classification Criteria 13 December 2019. Collection method: clinical testing. Allele origin: germline.
Comment: This variant was observed in the ICSL laboratory as part of a predisposition screen in an ostensibly healthy population. It had not been previously curated by ICSL or reported in the Human Gene Mutation Database (HGMD: prior to June 1st, 2018), and was therefore a candidate for classification through an automated scoring system. Utilizing variant allele frequency, disease prevalence and penetrance estimates, and inheritance mode, an automated score was calculated to assess if this variant is too frequent to cause the disease. Based on the score and internal cut-off values, a variant classified as likely benign is not then subjected to further curation. The score for this variant resulted in a classification of likely benign for this disease.

NM_153717.3(EVC):c.*491C>T

Gene: EVC (EvC ciliary complex subunit 1; plus strand). Cytogenetic location: 4p16.2.
Variant type: single nucleotide variant.
Coding change: c.*491C>T on transcript NM_153717.3 (MANE Select); 491 bases downstream of the stop codon, C replaced by T.
Molecular consequence: 3 prime UTR variant.
Genome position (GRCh38, 1-based): chr4:5,811,528, C>T. VCF-style: chr4-5811528-C-T. GRCh37 (hg19) VCF-style: chr4-5813255-C-T.
Other names: c.*491C>T (NM_001306090.2).
Identifiers: ClinVar variation 906908 (VCV000906908.4), dbSNP rs114993332, ClinGen allele CA91728860.